The following is an entry in ClinVar:

NM_000489.6(ATRX):c.2648A>G (p.Gln883Arg)

Gene: ATRX (ATRX chromatin remodeler; minus strand). Cytogenetic location: Xq21.1.
Variant type: single nucleotide variant.
Coding change: c.2648A>G on transcript NM_000489.6 (MANE Select); coding-DNA position 2648, A replaced by G.
Protein change: p.Gln883Arg; replaces glutamine 883 with arginine.
Molecular consequence: missense variant.
Genome position (GRCh38, 1-based): chrX:77,682,608, T>C on the plus strand (A>G on the coding strand, the complement: ATRX is on the minus strand). VCF-style: chrX-77682608-T-C. GRCh37 (hg19) VCF-style: chrX-76938100-T-C.
Other names: c.2534A>G, p.Gln845Arg (NM_138270.5); short protein forms Q883R, Q845R.
Identifiers: ClinVar variation 133649 (VCV000133649.20), dbSNP rs587778086, ClinGen allele CA157222.

ClinVar aggregate classification (germline): Benign. Review status: criteria provided, multiple submitters, no conflicts (2 of 4 stars). 5 submissions from 5 submitters: Benign (3). 2 of the submissions do not count toward it. Last evaluated 2026-01-26.

Conditions:
Inborn genetic diseases. Identifiers: MedGen C0950123, MeSH D030342.
Alpha thalassemia-X-linked intellectual disability syndrome (ATRX). Also called: X-linked alpha-thalassemia-mental retardation syndrome; ALPHA-THALASSEMIA/MENTAL RETARDATION SYNDROME, X-LINKED; ATR, NONDELETION TYPE; ATR-X syndrome; Alpha thalassemia mental retardation syndrome, nondeletion type, X-linked; XLMR hypotonic face syndrome. Identifiers: Orphanet 847, MedGen C1845055, MONDO:0010519, OMIM 301040.

Allele frequency attached by ClinVar (database versions not stated): gnomAD 0.00001 and 0.00008; TOPMed 0.00001; gnomAD exomes 0.00016 and 0.00029; 1000 Genomes Project 30x 0.00021; 1000 Genomes Project 0.00026; ExAC 0.00039.
gnomAD v4.1: 189 of 1,208,866 alleles (0.016%); highest among the groups gnomAD compares: South Asian, 0.29%; 1 homozygote.

Submissions (5):

Labcorp Genetics (formerly Invitae), Labcorp
Classification: Benign for Alpha thalassemia-X-linked intellectual disability syndrome. Last evaluated: 2026-01-26. Review status: criteria provided, single submitter. Criteria: Invitae Variant Classification Sherloc (09022015). Collection method: clinical testing. Allele origin: germline.

GeneDx
Classification: Benign. Last evaluated: 2020-02-12. Review status: criteria provided, single submitter. Criteria: GeneDx Variant Classification Process June 2021. Collection method: clinical testing. Allele origin: germline. Affected: yes.

Ambry Genetics
Classification: Benign for Inborn genetic diseases. Last evaluated: 2017-06-16. Review status: criteria provided, single submitter. Criteria: Ambry Variant Classification Scheme 2023. Collection method: clinical testing. Allele origin: germline.

Natera, Inc.
Classification: Likely benign for X-linked alpha-thalassemia-mental retardation syndrome. Last evaluated: 2020-01-24. Review status: no assertion criteria provided. Collection method: clinical testing. Allele origin: germline. Not counted in ClinVar's aggregate classification.

ITMI
No classification provided. Condition: AllHighlyPenetrant. Last evaluated: 2013-09-19. Review status: no classification provided. Collection method: reference population. Allele origin: germline. Not counted in ClinVar's aggregate classification.
Comment: Please see associated publication for description of ethnicities

Literature cited by the submitters: PubMed 24728327 (cited by ITMI).